The following is an entry in ClinVar:

ClinVar aggregate classification (germline): Uncertain significance (1 of 4 stars; one submission).

Conditions:
Cataract 14 multiple types. Also called: CATARACT 14, COPPOCK-LIKE; CATARACT 14, ZONULAR PULVERULENT; CATARACT 14, NUCLEAR PULVERULENT; CATARACT 14, NUCLEAR PULVERULENT AND POSTERIOR POLAR; CATARACT 14, NUCLEAR CORALLIFORM; CATARACT 14, EMBRYONAL NUCLEAR. Identifiers: Orphanet 91492, MedGen C1866078, MONDO:0011162, OMIM 601885.

Submission:

Labcorp Genetics (formerly Invitae), Labcorp
Classification: Uncertain significance for Cataract 14 multiple types. Last evaluated: 2025-05-22. Review status: criteria provided, single submitter. Criteria: Invitae Variant Classification Sherloc (09022015). Collection method: clinical testing. Allele origin: germline.
Comment: This sequence change replaces threonine, which is neutral and polar, with isoleucine, which is neutral and non-polar, at codon 89 of the GJA3 protein (p.Thr89Ile). This variant is not present in population databases (gnomAD no frequency). This variant has not been reported in the literature in individuals affected with GJA3-related conditions. Invitae Evidence Modeling of protein sequence and biophysical properties (such as structural, functional, and spatial information, amino acid conservation, physicochemical variation, residue mobility, and thermodynamic stability) indicates that this missense variant is expected to disrupt GJA3 protein function with a positive predictive value of 95%. In summary, the available evidence is currently insufficient to determine the role of this variant in disease. Therefore, it has been classified as a Variant of Uncertain Significance.

NM_021954.4(GJA3):c.266C>T (p.Thr89Ile)

Gene: GJA3 (gap junction protein alpha 3; minus strand). Cytogenetic location: 13q12.11.
Variant type: single nucleotide variant.
Coding change: c.266C>T on transcript NM_021954.4 (MANE Select); coding-DNA position 266, C replaced by T.
Protein change: p.Thr89Ile; replaces threonine 89 with isoleucine.
Molecular consequence: missense variant.
Genome position (GRCh38, 1-based): chr13:20,143,023, G>A on the plus strand (C>T on the coding strand, the complement: GJA3 is on the minus strand). VCF-style: chr13-20143023-G-A. GRCh37 (hg19) VCF-style: chr13-20717162-G-A.
Other names: short protein forms T89I.
Identifiers: ClinVar variation 4709989 (VCV004709989.1).